The following is an entry in ClinVar:

ClinVar aggregate classification (germline): Pathogenic (1 of 4 stars; one submission).

Conditions:
Adams-Oliver syndrome 6 (AOS6). Identifiers: Orphanet 974, MedGen C4225271, MONDO:0014703, OMIM 616589.

Submission:

HudsonAlpha Institute for Biotechnology
Classification: Pathogenic for Adams-Oliver syndrome 6. Last evaluated: 2020-04-01. Review status: criteria provided, single submitter. Criteria: ACMG Guidelines, 2015. Collection method: research. Allele origin: unknown. Affected: yes. Observed: 1 variant allele. Study: CSER-SouthSeq.
Comment: ACMG codes: PVS1, PM2, PP4

NM_019074.4(DLL4):c.1857_1864del (p.Pro621fs)

Gene: DLL4 (delta like canonical Notch ligand 4; plus strand). Cytogenetic location: 15q15.1.
Variant type: Deletion.
Coding change: c.1857_1864del on transcript NM_019074.4 (MANE Select); coding-DNA positions 1857 to 1864, 8 bases deleted (AGGGCCCC; older notation c.1857_1864delAGGGCCCC).
Protein change: p.Pro621fs; shifts the reading frame from proline 621.
Molecular consequence: frameshift variant.
Genome position (GRCh38, 1-based): chr15:40,936,844-40,936,851, AGGGCCCC deleted; deleting any 8 consecutive bases within chr15:40,936,838-40,936,851 gives the same sequence; the c. name uses the placement nearest the transcript's 3' end. VCF-style (leftmost placement, unchanged base first): chr15-40936837-TGGCCCCAG-T. GRCh37 (hg19) VCF-style: chr15-41229035-TGGCCCCAG-T.
Other names: c.1851_1858del (NM_019074.4); short protein forms P621fs.
Identifiers: ClinVar variation 929444 (VCV000929444.1), dbSNP rs1892853569, ClinGen allele CA1139663853.